The following is an entry in ClinVar:

NM_032043.3(BRIP1):c.2330G>A (p.Arg777His)

Gene: BRIP1 (BRCA1 interacting DNA helicase 1; minus strand). Cytogenetic location: 17q23.2.
Variant type: single nucleotide variant.
Coding change: c.2330G>A on transcript NM_032043.3 (MANE Select); coding-DNA position 2330, G replaced by A.
Protein change: p.Arg777His; replaces arginine 777 with histidine.
Molecular consequence: missense variant.
Genome position (GRCh38, 1-based): chr17:61,743,062, C>T on the plus strand (G>A on the coding strand, the complement: BRIP1 is on the minus strand). VCF-style: chr17-61743062-C-T. GRCh37 (hg19) VCF-style: chr17-59820423-C-T.
Other names: short protein forms R777H.
Identifiers: ClinVar variation 230681 (VCV000230681.28), dbSNP rs747568830, ClinGen allele CA8690550.

ClinVar aggregate classification (germline): Uncertain significance. Review status: criteria provided, multiple submitters, no conflicts (2 of 4 stars). 8 submissions from 8 submitters: Uncertain significance (8). Last evaluated 2026-03-20.

Conditions:
Familial ovarian cancer. Identifiers: MedGen C5679802, MONDO:0016248.
BRIP1-related disorder. Also called: BRIP1-related condition; BRIP1-related disorders. Identifiers: MedGen CN239206.
Hereditary cancer-predisposing syndrome. Also called: Neoplastic Syndromes, Hereditary; Tumor predisposition; Hereditary Cancer Syndrome; Hereditary neoplastic syndrome. Identifiers: Orphanet 140162, MedGen C0027672, MeSH D009386, MONDO:0015356.
Fanconi anemia complementation group J. Also called: BRIP1-Related Fanconi Anemia. Identifiers: Orphanet 84, MedGen C1836860, MONDO:0012187, OMIM 609054.
Familial cancer of breast. Also called: hereditary breast carcinoma; BREAST CANCER, FAMILIAL; Hereditary breast cancer. Identifiers: Orphanet 227535, MedGen C0346153, MONDO:0016419, OMIM 114480. Disease mechanism: loss of function.

Allele frequency attached by ClinVar (database versions not stated): TOPMed below 0.00001; gnomAD 0.00001; ExAC 0.00002; gnomAD exomes 0.00002.
gnomAD v4.1: 22 of 1,613,802 alleles (0.0014%); highest among the groups gnomAD compares: African/African-American, 0.004%; no homozygotes.

Submissions (8):

PreventionGenetics, part of Exact Sciences
Classification: Uncertain significance for BRIP1-related condition. Last evaluated: 2026-03-20. Review status: criteria provided, single submitter. Criteria: ACMG Guidelines, 2015. Collection method: clinical testing. Allele origin: germline.
Comment: The BRIP1 c.2330G>A variant is predicted to result in the amino acid substitution p.Arg777His. This variant has been reported in the literature in individuals with breast cancer (Supp. Table 1, Easton et al. 2016. PubMed ID: 26921362; Breast Cancer Association Consortium et al. 2021. PubMed ID: 33471991). This variant is reported in 0.0099% of alleles in individuals of Ashkenazi Jewish descent in gnomAD. This variant is interpreted as uncertain in ClinVar (Variation ID: 230681). At this time, the clinical significance of this variant is uncertain due to the absence of conclusive functional and genetic evidence.

Labcorp Genetics (formerly Invitae), Labcorp
Classification: Uncertain significance for Familial cancer of breast; Fanconi anemia complementation group J. Last evaluated: 2026-02-02. Review status: criteria provided, single submitter. Criteria: Invitae Variant Classification Sherloc (09022015). Collection method: clinical testing. Allele origin: germline.
Comment: This sequence change replaces arginine, which is basic and polar, with histidine, which is basic and polar, at codon 777 of the BRIP1 protein (p.Arg777His). This variant is present in population databases (rs747568830, gnomAD 0.01%). This missense change has been observed in individual(s) with BRIP1-related conditions (PMID: 26921362). ClinVar contains an entry for this variant (Variation ID: 230681). Invitae Evidence Modeling of protein sequence and biophysical properties (such as structural, functional, and spatial information, amino acid conservation, physicochemical variation, residue mobility, and thermodynamic stability) indicates that this missense variant is expected to disrupt BRIP1 protein function with a positive predictive value of 95%. In summary, the available evidence is currently insufficient to determine the role of this variant in disease. Therefore, it has been classified as a Variant of Uncertain Significance.

GeneDx
Classification: Uncertain significance. Last evaluated: 2024-11-22. Review status: criteria provided, single submitter. Criteria: GeneDx Variant Classification Process June 2021. Collection method: clinical testing. Allele origin: germline.
Comment: In silico analysis supports that this missense variant has a deleterious effect on protein structure/function; Observed in individuals with breast cancer (PMID: 26921362); This variant is associated with the following publications: (PMID: 26921362)

Molecular Diagnostics Laboratory, Catalan Institute of Oncology
Classification: Uncertain significance for Hereditary cancer-predisposing syndrome. Last evaluated: 2024-10-22. Review status: criteria provided, single submitter. Criteria: ACMG Guidelines, 2015. Collection method: clinical testing. Allele origin: germline.
Comment: PP3_Moderate c.2330G>A , located in exon 16 of the BRIP1 gene, is predicted to result in the substitution of Arginine by Histidine at codon 777, p.(Arg777His), This variant is found in 6/268166 alleles at a frequency of 0.0024% in the gnomAD v2.1.1 database, non-cancer dataset. The SpliceAI algorithm predicts no significant impact on splicing. The REVEL meta-predictor score for this variant (0.867) suggests a deleterious effect on protein function according to Pejaver 2022 thresholds (PMID: 36413997) (PP3_Moderate). To our knowledge, neither relevant clinical data nor well-stablished functional studies have been reported for this variant. It has been reported in ClinVar (4x as uncertain significance) and in the LOVD database (1x NA, 1x uncertain significancer). Based on currently available information, the variant c.2330G>A should be considered an uncertain significance variant.

Molecular Pathology, Peter Maccallum Cancer Centre
Classification: Uncertain significance for Familial ovarian cancer. Last evaluated: 2024-10-02. Review status: criteria provided, single submitter. Criteria: ACMG Guidelines, 2015. Collection method: clinical testing. Allele origin: germline. Inheritance: Autosomal dominant inheritance.

Ambry Genetics
Classification: Uncertain significance for Hereditary cancer-predisposing syndrome. Last evaluated: 2024-07-31. Review status: criteria provided, single submitter. Criteria: Ambry Variant Classification Scheme 2023. Collection method: clinical testing. Allele origin: germline.
Comment: The p.R777H variant (also known as c.2330G>A), located in coding exon 15 of the BRIP1 gene, results from a G to A substitution at nucleotide position 2330. The arginine at codon 777 is replaced by histidine, an amino acid with highly similar properties. This alteration has been observed in multiple individuals with a personal history of breast cancer and absent in controls (Easton DF et al. J Med Genet, 2016 05;53:298-309). This amino acid position is highly conserved in available vertebrate species. In addition, this alteration is predicted to be deleterious by in silico analysis. Since supporting evidence is limited at this time, the clinical significance of this alteration remains unclear.

Quest Diagnostics Nichols Institute San Juan Capistrano
Classification: Uncertain significance. Last evaluated: 2024-03-14. Review status: criteria provided, single submitter. Criteria: Quest Diagnostics criteria. Collection method: clinical testing. Allele origin: unknown.
Comment: The BRIP1 c.2330G>A (p.Arg777His) variant has been reported In large case-control studies, this variant was detected in individuals with breast cancer and not in any reportedly healthy controls (PMIDs: 26921362 (2016) and 33471991 (2021), see also LOVD). The frequency of this variant in the general population, 0.000087 (3/34580 chromosomes (Genome Aggregation Database)), is uninformative in the assessment of its pathogenicity. Analysis of this variant using bioinformatics tools for the prediction of the effect of amino acid changes on protein structure and function yielded predictions that this variant is damaging. Based on the available information, we are unable to determine the clinical significance of this variant.

Color Diagnostics, LLC DBA Color Health
Classification: Uncertain significance for Hereditary cancer-predisposing syndrome. Last evaluated: 2023-08-29. Review status: criteria provided, single submitter. Criteria: ACMG Guidelines, 2015. Collection method: clinical testing. Allele origin: germline.
Comment: This missense variant replaces arginine with histidine at codon 777 of the BRIP1 protein. Computational prediction suggests that this variant may have deleterious impact on protein structure and function (internally defined REVEL score threshold >= 0.7, PMID: 27666373). To our knowledge, functional studies have not been reported for this variant. This variant has been detected in a breast cancer case-control meta-analysis in 3/60466 cases and 0/53461 unaffected individuals (PMID: 33471991; Leiden Open Variation Database DB-ID BRIP1_000423). This variant has been identified in 6/251306 chromosomes in the general population by the Genome Aggregation Database (gnomAD). The available evidence is insufficient to determine the role of this variant in disease conclusively. Therefore, this variant is classified as a Variant of Uncertain Significance.

Literature cited by the submitters: PubMed 26921362 (cited by 3 submitters); PubMed 33471991 (cited by Quest Diagnostics Nichols Institute San Juan Capistrano and Color Diagnostics, LLC DBA Color Health); PubMed 32802943 (cited by Quest Diagnostics Nichols Institute San Juan Capistrano); PubMed 32620917 (cited by Quest Diagnostics Nichols Institute San Juan Capistrano).